The following is an entry in ClinVar:

NM_001195305.3(BBIP1):c.17C>A (p.Ala6Glu)

Gene: BBIP1 (BBSome interacting protein 1; minus strand). Cytogenetic location: 10q25.2.
Variant type: single nucleotide variant.
Coding change: c.17C>A on transcript NM_001195305.3 (MANE Select); coding-DNA position 17, C replaced by A.
Protein change: p.Ala6Glu; replaces alanine 6 with glutamic acid.
Molecular consequence: missense variant. On other transcripts: intron variant (1).
Genome position (GRCh38, 1-based): chr10:110,918,141, G>T on the plus strand (C>A on the coding strand, the complement: BBIP1 is on the minus strand). VCF-style: chr10-110918141-G-T. GRCh37 (hg19) VCF-style: chr10-112677899-G-T.
Other names: c.17C>A, p.Ala6Glu (NM_001195304.2, NM_001195306.2, NM_001195307.2); c.-30+980C>A (NM_001243783.3); c.17C>A (NM_001195306.1); short protein forms A6E.
Identifiers: ClinVar variation 3000875 (VCV003000875.5), dbSNP rs1437983979, ClinGen allele CA378392408.

ClinVar aggregate classification (germline): Uncertain significance. Review status: criteria provided, multiple submitters, no conflicts (2 of 4 stars). 2 submissions from 2 submitters: Uncertain significance (2). Last evaluated 2025-06-02.

Conditions:
BBIP1-related disorder. Also called: BBIP1-related condition.

Allele frequency attached by ClinVar (database versions not stated): gnomAD exomes below 0.00001.
gnomAD v4.1: 1 of 1,535,968 alleles (0.000065%); highest among the groups gnomAD compares: Admixed American, 0.002%; no homozygotes.

Submissions (2):

PreventionGenetics, part of Exact Sciences
Classification: Uncertain significance for BBIP1-related condition. Last evaluated: 2025-06-02. Review status: criteria provided, single submitter. Criteria: ACMG Guidelines, 2015. Collection method: clinical testing. Allele origin: germline.
Comment: The BBIP1 c.17C>A variant is predicted to result in the amino acid substitution p.Ala6Glu. To our knowledge, this variant has not been reported in the literature. This variant is reported in 0.0041% of alleles in individuals of Latino descent in gnomAD. At this time, the clinical significance of this variant is uncertain due to the absence of conclusive functional and genetic evidence.

Labcorp Genetics (formerly Invitae), Labcorp
Classification: Uncertain significance. Last evaluated: 2023-06-30. Review status: criteria provided, single submitter. Criteria: Invitae Variant Classification Sherloc (09022015). Collection method: clinical testing. Allele origin: germline.
Comment: This sequence change replaces alanine, which is neutral and non-polar, with glutamic acid, which is acidic and polar, at codon 6 of the BBIP1 protein (p.Ala6Glu). In summary, the available evidence is currently insufficient to determine the role of this variant in disease. Therefore, it has been classified as a Variant of Uncertain Significance. Algorithms developed to predict the effect of missense changes on protein structure and function output the following: SIFT: "Not Available"; PolyPhen-2: "Possibly Damaging"; Align-GVGD: "Not Available". The glutamic acid amino acid residue is found in multiple mammalian species, which suggests that this missense change does not adversely affect protein function. This variant has not been reported in the literature in individuals affected with BBIP1-related conditions. The frequency data for this variant in the population databases is considered unreliable, as metrics indicate poor data quality at this position in the gnomAD database.